The following is an entry in ClinVar:

ClinVar aggregate classification (germline): Uncertain significance (1 of 4 stars; one submission).

Submission:

Labcorp Genetics (formerly Invitae), Labcorp
Classification: Uncertain significance. Last evaluated: 2024-07-23. Review status: criteria provided, single submitter. Criteria: Invitae Variant Classification Sherloc (09022015). Collection method: clinical testing. Allele origin: germline.
Comment: This sequence change falls in intron 6 of the DCHS1 gene. It does not directly change the encoded amino acid sequence of the DCHS1 protein. Information on the frequency of this variant in the gnomAD database is not available, as this variant may be reported differently in the database. This variant has not been reported in the literature in individuals affected with DCHS1-related conditions. Experimental studies and prediction algorithms are not available or were not evaluated, and the effect of this variant on mRNA splicing is currently unknown. In summary, the available evidence is currently insufficient to determine the role of this variant in disease. Therefore, it has been classified as a Variant of Uncertain Significance.

NM_003737.4(DCHS1):c.3481+11_3481+12delinsGC

Gene: DCHS1 (dachsous cadherin-related 1; minus strand). Cytogenetic location: 11p15.4.
Variant type: Indel.
Coding change: c.3481+11_3481+12delinsGC on transcript NM_003737.4 (MANE Select); bases 11 to 12 of the intron after coding-DNA position 3481, AG replaced by GC.
Molecular consequence: intron variant.
Genome position (GRCh38, 1-based): chr11:6,632,019-6,632,020, CT replaced by GC on the plus strand (AG replaced by GC on the coding strand, the reverse complement: DCHS1 is on the minus strand). VCF-style: chr11-6632019-CT-GC. GRCh37 (hg19) VCF-style: chr11-6653250-CT-GC.
Identifiers: ClinVar variation 3660380 (VCV003660380.2).
Genomic context (GRCh38, chr11:6,632,019, plus strand): 5'-GGATCCTGTCTGAATGTTCACCAGGCTGGGGATAAGGCTATGCGGTCTCAGGATTTGGGT[CT>GC]CTGTGCTCACCAGTCTGGGGGTGGATGCGGAAGGCCTTGCTGTCTTCAGACAGCTGTTGC-3'